The following is an entry in ClinVar:

NM_005649.3(ZNF354A):c.933A>C (p.Ser311=)

Gene: ZNF354A (zinc finger protein 354A; minus strand). Cytogenetic location: 5q35.3.
Variant type: single nucleotide variant.
Coding change: c.933A>C on transcript NM_005649.3 (MANE Select); coding-DNA position 933, A replaced by C.
Protein change: p.Ser311=; no amino-acid change (serine 311 retained).
Molecular consequence: synonymous variant.
Genome position (GRCh38, 1-based): chr5:178,712,945, T>G on the plus strand (A>C on the coding strand, the complement: ZNF354A is on the minus strand). VCF-style: chr5-178712945-T-G. GRCh37 (hg19) VCF-style: chr5-178139946-T-G.
Other names: c.807A>C, p.Ser269= (NM_001324339.2).
Identifiers: ClinVar variation 2656129 (VCV002656129.24), dbSNP rs1399390871, ClinGen allele CA448373012.
Genomic context (GRCh38, chr5:178,712,945, plus strand): 5'-ACCCGGATTATACTTACAAGGGTTTTCTTCAGCATGAATTTTTTGATGTATAAAAAGGCC[T>G]GACCTTCGGCTGAAGGATTTACCACATTCTTTACATCTGTAGGATTTCTCCACAGTATGG-3'
Protein context (NP_005640.2, residues 301-321): KECGKSFSRR[Ser311=]GLFIHQKIHA

ClinVar aggregate classification (germline): Likely benign (1 of 4 stars; one submission).

Submission:

CeGaT Center for Human Genetics Tuebingen
Classification: Likely benign. Last evaluated: 2022-03-01. Review status: criteria provided, single submitter. Criteria: CeGaT Center For Human Genetics Tuebingen Variant Classification Criteria Version 2. Collection method: clinical testing. Allele origin: germline. Affected: yes. Observed: 1 variant allele.
Comment: ZNF354A: PM2:Supporting, BP4, BP7